The following is an entry in ClinVar:

ClinVar aggregate classification (germline): Uncertain significance (1 of 4 stars; one submission).

Conditions:
Inborn genetic diseases. Identifiers: MedGen C0950123, MeSH D030342.

Submission:

Ambry Genetics
Classification: Uncertain significance for Inborn genetic diseases. Last evaluated: 2024-06-16. Review status: criteria provided, single submitter. Criteria: Ambry Variant Classification Scheme 2023. Collection method: clinical testing. Allele origin: germline.
Comment: The p.L1702P variant (also known as c.5105T>C), located in coding exon 29 of the ATR gene, results from a T to C substitution at nucleotide position 5105. The leucine at codon 1702 is replaced by proline, an amino acid with similar properties. This amino acid position is conserved. In addition, the in silico prediction for this alteration is inconclusive. Based on the available evidence, the clinical significance of this variant remains unclear.

NM_001184.4(ATR):c.5105T>C (p.Leu1702Pro)

Gene: ATR (ATR serine/threonine kinase; minus strand). Cytogenetic location: 3q23.
Variant type: single nucleotide variant.
Coding change: c.5105T>C on transcript NM_001184.4 (MANE Select); coding-DNA position 5105, T replaced by C.
Protein change: p.Leu1702Pro; replaces leucine 1702 with proline.
Molecular consequence: missense variant.
Genome position (GRCh38, 1-based): chr3:142,505,230, A>G on the plus strand (T>C on the coding strand, the complement: ATR is on the minus strand). VCF-style: chr3-142505230-A-G. GRCh37 (hg19) VCF-style: chr3-142224072-A-G.
Other names: c.4913T>C, p.Leu1638Pro (NM_001354579.2); short protein forms L1638P, L1702P.
Identifiers: ClinVar variation 3332185 (VCV003332185.1).